The following is an entry in ClinVar:

NM_032581.4(HYCC1):c.262G>T (p.Ala88Ser)

Gene: HYCC1 (hyccin PI4KA lipid kinase complex subunit 1; minus strand). Cytogenetic location: 7p15.3.
Variant type: single nucleotide variant.
Coding change: c.262G>T on transcript NM_032581.4 (MANE Select); coding-DNA position 262, G replaced by T.
Protein change: p.Ala88Ser; replaces alanine 88 with serine.
Molecular consequence: missense variant.
Genome position (GRCh38, 1-based): chr7:22,978,340, C>A on the plus strand (G>T on the coding strand, the complement: HYCC1 is on the minus strand). VCF-style: chr7-22978340-C-A. GRCh37 (hg19) VCF-style: chr7-23017959-C-A.
Other names: c.262G>T, p.Ala88Ser (NM_001363466.2, NM_001363467.2); short protein forms A88S.
Identifiers: ClinVar variation 1028965 (VCV001028965.9), dbSNP rs138296939, ClinGen allele CA4186063.

ClinVar aggregate classification (germline): Uncertain significance. Review status: criteria provided, multiple submitters, no conflicts (2 of 4 stars). 3 submissions from 3 submitters: Uncertain significance (3). Last evaluated 2023-11-27.

Conditions:
Hypomyelination and Congenital Cataract (HLD5). Also called: hypomyelinating leukodystrophy 5. Identifiers: Orphanet 85163, MedGen C1864663, MONDO:0012514, OMIM 610532.

Allele frequency attached by ClinVar (database versions not stated): gnomAD exomes 0.00003 and 0.00007; ExAC 0.00011; ESP Exome Variant Server 0.00023; gnomAD 0.00040 and 0.00043; TOPMed 0.00040; 1000 Genomes Project 30x 0.00062; 1000 Genomes Project 0.00080.
gnomAD v4.1: 106 of 1,614,034 alleles (0.0066%); highest among the groups gnomAD compares: African/African-American, 0.13%; 2 homozygotes.

Submissions (3):

Labcorp Genetics (formerly Invitae), Labcorp
Classification: Uncertain significance for Hypomyelination and Congenital Cataract. Last evaluated: 2023-11-27. Review status: criteria provided, single submitter. Criteria: Invitae Variant Classification Sherloc (09022015). Collection method: clinical testing. Allele origin: germline.
Comment: This sequence change replaces alanine, which is neutral and non-polar, with serine, which is neutral and polar, at codon 88 of the FAM126A protein (p.Ala88Ser). This variant is present in population databases (rs138296939, gnomAD 0.1%). This variant has not been reported in the literature in individuals affected with FAM126A-related conditions. ClinVar contains an entry for this variant (Variation ID: 1028965). Advanced modeling of protein sequence and biophysical properties (such as structural, functional, and spatial information, amino acid conservation, physicochemical variation, residue mobility, and thermodynamic stability) performed at Invitae indicates that this missense variant is not expected to disrupt FAM126A protein function with a negative predictive value of 80%. In summary, the available evidence is currently insufficient to determine the role of this variant in disease. Therefore, it has been classified as a Variant of Uncertain Significance.

Department of Pathology and Laboratory Medicine, Sinai Health System
Classification: Uncertain significance for hypomyelinating leukodystrophy 5. Last evaluated: 2021-07-30. Review status: criteria provided, single submitter. Criteria: ACMG Guidelines, 2015. Collection method: research. Allele origin: germline.

Baylor Genetics
Classification: Uncertain significance for Hypomyelination and Congenital Cataract. Last evaluated: 2019-02-20. Review status: criteria provided, single submitter. Criteria: ACMG Guidelines, 2015. Collection method: clinical testing. Allele origin: unknown. Affected: yes.
Comment: This variant was determined to be of uncertain significance according to ACMG Guidelines, 2015 [PMID:25741868].